The following is an entry in ClinVar:

NM_016148.5(SHANK1):c.2809C>G (p.Pro937Ala)

Gene: SHANK1 (SH3 and multiple ankyrin repeat domains 1; minus strand). Cytogenetic location: 19q13.33.
Variant type: single nucleotide variant.
Coding change: c.2809C>G on transcript NM_016148.5 (MANE Select); coding-DNA position 2809, C replaced by G.
Protein change: p.Pro937Ala; replaces proline 937 with alanine.
Molecular consequence: missense variant.
Genome position (GRCh38, 1-based): chr19:50,669,151, G>C on the plus strand (C>G on the coding strand, the complement: SHANK1 is on the minus strand). VCF-style: chr19-50669151-G-C. GRCh37 (hg19) VCF-style: chr19-51172408-G-C.
Other names: short protein forms P937A.
Identifiers: ClinVar variation 2718786 (VCV002718786.3), dbSNP rs561443642, ClinGen allele CA9601350.

ClinVar aggregate classification (germline): Uncertain significance (1 of 4 stars; one submission).

Allele frequency attached by ClinVar (database versions not stated): gnomAD 0.00001; 1000 Genomes Project 30x 0.00016; 1000 Genomes Project 0.00020.
gnomAD v4.1: 2 of 1,577,492 alleles (0.00013%); highest among the groups gnomAD compares: South Asian, 0.0012%; no homozygotes.

Submission:

Labcorp Genetics (formerly Invitae), Labcorp
Classification: Uncertain significance. Last evaluated: 2022-11-29. Review status: criteria provided, single submitter. Criteria: Invitae Variant Classification Sherloc (09022015). Collection method: clinical testing. Allele origin: germline.
Comment: In summary, the available evidence is currently insufficient to determine the role of this variant in disease. Therefore, it has been classified as a Variant of Uncertain Significance. Experimental studies and prediction algorithms are not available or were not evaluated, and the functional significance of this variant is currently unknown. This variant has not been reported in the literature in individuals affected with SHANK1-related conditions. This variant is present in population databases (rs561443642, gnomAD 0.004%). This sequence change replaces proline, which is neutral and non-polar, with alanine, which is neutral and non-polar, at codon 937 of the SHANK1 protein (p.Pro937Ala).